The following is an entry in ClinVar:

ClinVar aggregate classification (germline): Uncertain significance (1 of 4 stars; one submission).

Conditions:
Cystic fibrosis (CF). Also called: MUCOVISCIDOSIS. Identifiers: Orphanet 586, MedGen C0010674, MONDO:0009061, OMIM 219700. Disease mechanism: loss of function.

Submission:

Ambry Genetics
Classification: Uncertain significance for Cystic fibrosis. Last evaluated: 2025-09-17. Review status: criteria provided, single submitter. Criteria: Ambry Variant Classification Scheme 2023. Collection method: clinical testing. Allele origin: germline.
Comment: The p.V181F variant (also known as c.541G>T), located in coding exon 5 of the CFTR gene, results from a G to T substitution at nucleotide position 541. The valine at codon 181 is replaced by phenylalanine, an amino acid with highly similar properties. This amino acid position is conserved. In addition, this alteration is predicted to be deleterious by in silico analysis. Based on the available evidence, the clinical significance of this variant remains unclear.

NM_000492.4(CFTR):c.541G>T (p.Val181Phe)

Gene: CFTR (CF transmembrane conductance regulator; plus strand). Cytogenetic location: 7q31.2.
Variant type: single nucleotide variant.
Coding change: c.541G>T on transcript NM_000492.4 (MANE Select); coding-DNA position 541, G replaced by T.
Protein change: p.Val181Phe; replaces valine 181 with phenylalanine.
Molecular consequence: missense variant.
Genome position (GRCh38, 1-based): chr7:117,534,327, G>T. VCF-style: chr7-117534327-G-T. GRCh37 (hg19) VCF-style: chr7-117174381-G-T.
Other names: short protein forms V181F.
Identifiers: ClinVar variation 4646195 (VCV004646195.1).
Genomic context (GRCh38, chr7:117,534,327, plus strand): 5'-TTCTTTTAGACTTTAAAGCTGTCAAGCCGTGTTCTAGATAAAATAAGTATTGGACAACTT[G>T]TTAGTCTCCTTTCCAACAACCTGAACAAATTTGATGAAGTATGTACCTATTGATTTAATC-3'
Protein context (NP_000483.3, residues 171-191): VLDKISIGQL[Val181Phe]SLLSNNLNKF